The following is an entry in ClinVar:

ClinVar aggregate classification (germline): Benign. Review status: criteria provided, multiple submitters, no conflicts (2 of 4 stars). 7 submissions from 7 submitters: Benign (7). Last evaluated 2026-02-04.

Conditions:
Long QT syndrome (LQTS). Identifiers: MedGen C0023976, MeSH D008133, MONDO:0002442. Disease mechanism: loss of function. Inheritance: Various modes of inheritance.
Cardiac arrhythmia, ankyrin-B-related. Also called: ANKYRIN-B SYNDROME. Identifiers: Orphanet 101016, Orphanet 768, MedGen C1970119, MONDO:0010958, OMIM 600919.

Allele frequency attached by ClinVar (database versions not stated): gnomAD exomes 0.13099; ExAC 0.13773; gnomAD 0.20515 and 0.21141; ESP Exome Variant Server 0.21944; TOPMed 0.22176; 1000 Genomes Project 0.22863; 1000 Genomes Project 30x 0.24219.
gnomAD v4.1: 192,933 of 1,600,286 alleles (12%); highest among the groups gnomAD compares: African/African-American, 47%; 17,031 homozygotes.

Submissions (7):

Labcorp Genetics (formerly Invitae), Labcorp
Classification: Benign for Long QT syndrome. Last evaluated: 2026-02-04. Review status: criteria provided, single submitter. Criteria: Invitae Variant Classification Sherloc (09022015). Collection method: clinical testing. Allele origin: germline.

Blueprint Genetics
Classification: Benign. Last evaluated: 2024-11-26. Review status: criteria provided, single submitter. Criteria: ACMG Guidelines, 2015. Collection method: clinical testing. Allele origin: germline.

Genome-Nilou Lab
Classification: Benign for Cardiac arrhythmia, ankyrin-B-related. Last evaluated: 2021-12-05. Review status: criteria provided, single submitter. Criteria: ACMG Guidelines, 2015. Collection method: clinical testing. Allele origin: germline. Affected: no.

Illumina Laboratory Services, Illumina
Classification: Benign for Cardiac arrhythmia, ankyrin-B-related. Last evaluated: 2018-01-13. Review status: criteria provided, single submitter. Criteria: ICSL Variant Classification Criteria 13 December 2019. Collection method: clinical testing. Allele origin: germline.
Comment: This variant was observed in the ICSL laboratory as part of a predisposition screen in an ostensibly healthy population. It had not been previously curated by ICSL or reported in the Human Gene Mutation Database (HGMD: prior to June 1st, 2018), and was therefore a candidate for classification through an automated scoring system. Utilizing variant allele frequency, disease prevalence and penetrance estimates, and inheritance mode, an automated score was calculated to assess if this variant is too frequent to cause the disease. Based on the score and internal cut-off values, a variant classified as benign is not then subjected to further curation. The score for this variant resulted in a classification of benign for this disease.

GeneDx
Classification: Benign. Last evaluated: 2012-06-14. Review status: criteria provided, single submitter. Criteria: GeneDx Variant Classification (06012015). Collection method: clinical testing. Allele origin: germline. Affected: yes.
Comment: This variant is considered likely benign or benign based on one or more of the following criteria: it is a conservative change, it occurs at a poorly conserved position in the protein, it is predicted to be benign by multiple in silico algorithms, and/or has population frequency not consistent with disease.

Breakthrough Genomics
Classification: Benign. Review status: criteria provided, single submitter. Criteria: ACMG Guidelines, 2015. Collection method: not provided. Allele origin: germline. Inheritance: Autosomal dominant inheritance. Affected: yes.

PreventionGenetics, part of Exact Sciences
Classification: Benign. Review status: criteria provided, single submitter. Criteria: ACMG Guidelines, 2015. Collection method: clinical testing. Allele origin: germline.

NM_001148.6(ANK2):c.3893+14G>T

Gene: ANK2 (ankyrin 2; plus strand). Cytogenetic location: 4q26.
Variant type: single nucleotide variant.
Coding change: c.3893+14G>T on transcript NM_001148.6 (MANE Select); 14 bases into the intron after coding-DNA position 3893, G replaced by T.
Molecular consequence: intron variant.
Genome position (GRCh38, 1-based): chr4:113,339,336, G>T. VCF-style: chr4-113339336-G-T. GRCh37 (hg19) VCF-style: chr4-114260492-G-T.
Other names: c.3878+14G>T (NM_001386186.2, NM_001386148.2); c.3680+14G>T (NM_001354269.3); c.3758+14G>T (NM_001386187.2); c.3752+14G>T (NM_001386147.1, NM_001354261.2); c.3737+14G>T (NM_001386160.1); c.3842+14G>T (NM_001354254.2); c.3863+14G>T (NM_001354239.2, NM_001354252.2); c.3764+14G>T (NM_001354272.2); and 31 more.
Identifiers: ClinVar variation 136391 (VCV000136391.16), dbSNP rs2272231, ClinGen allele CA289455.